The following is an entry in ClinVar:

ClinVar aggregate classification (germline): Uncertain significance (1 of 4 stars; one submission).

Conditions:
Charcot-Marie-Tooth disease axonal type 2O. Also called: CHARCOT-MARIE-TOOTH NEUROPATHY, AXONAL, TYPE 2O; CHARCOT-MARIE-TOOTH DISEASE, AXONAL, AUTOSOMAL DOMINANT, TYPE 2O; Charcot-Marie-Tooth Neuropathy Type 2O; Charcot-Marie-Tooth disease, axonal, type 20. Identifiers: Orphanet 284232, MedGen C3280220, MONDO:0013644, OMIM 614228.

gnomAD v4.1: 2 of 1,614,216 alleles (0.00012%); highest among the groups gnomAD compares: Non-Finnish European, 0.00017%; no homozygotes.

Submission:

Labcorp Genetics (formerly Invitae), Labcorp
Classification: Uncertain significance for Charcot-Marie-Tooth disease axonal type 2O. Last evaluated: 2024-08-14. Review status: criteria provided, single submitter. Criteria: Invitae Variant Classification Sherloc (09022015). Collection method: clinical testing. Allele origin: germline.
Comment: This sequence change replaces threonine, which is neutral and polar, with isoleucine, which is neutral and non-polar, at codon 2699 of the DYNC1H1 protein (p.Thr2699Ile). This variant is not present in population databases (gnomAD no frequency). This variant has not been reported in the literature in individuals affected with DYNC1H1-related conditions. Invitae Evidence Modeling of protein sequence and biophysical properties (such as structural, functional, and spatial information, amino acid conservation, physicochemical variation, residue mobility, and thermodynamic stability) has been performed for this missense variant. However, the output from this modeling did not meet the statistical confidence thresholds required to predict the impact of this variant on DYNC1H1 protein function. In summary, the available evidence is currently insufficient to determine the role of this variant in disease. Therefore, it has been classified as a Variant of Uncertain Significance.

NM_001376.5(DYNC1H1):c.8096C>T (p.Thr2699Ile)

Gene: DYNC1H1 (dynein cytoplasmic 1 heavy chain 1; plus strand). Cytogenetic location: 14q32.31.
Variant type: single nucleotide variant.
Coding change: c.8096C>T on transcript NM_001376.5 (MANE Select); coding-DNA position 8096, C replaced by T.
Protein change: p.Thr2699Ile; replaces threonine 2699 with isoleucine.
Molecular consequence: missense variant.
Genome position (GRCh38, 1-based): chr14:102,017,423, C>T. VCF-style: chr14-102017423-C-T. GRCh37 (hg19) VCF-style: chr14-102483760-C-T.
Other names: short protein forms T2699I.
Identifiers: ClinVar variation 3716524 (VCV003716524.2).